The following is an entry in ClinVar:

ClinVar aggregate classification (germline): Uncertain significance (1 of 4 stars; one submission).

Conditions:
Inborn genetic diseases. Identifiers: MedGen C0950123, MeSH D030342.

Submission:

Ambry Genetics
Classification: Uncertain significance for Inborn genetic diseases. Last evaluated: 2026-01-06. Review status: criteria provided, single submitter. Criteria: Ambry Variant Classification Scheme 2023. Collection method: clinical testing. Allele origin: germline.
Comment: The p.T60R variant (also known as c.179C>G), located in coding exon 1 of the CEBPA gene, results from a C to G substitution at nucleotide position 179. The threonine at codon 60 is replaced by arginine, an amino acid with similar properties. This amino acid position is conserved. In addition, this alteration is predicted to be tolerated by in silico analysis. Based on the available evidence, the clinical significance of this variant remains unclear.

NM_004364.5(CEBPA):c.179C>G (p.Thr60Arg)

Gene: CEBPA (CCAAT enhancer binding protein alpha; minus strand). Cytogenetic location: 19q13.11.
Variant type: single nucleotide variant.
Coding change: c.179C>G on transcript NM_004364.5 (MANE Select); coding-DNA position 179, C replaced by G.
Protein change: p.Thr60Arg; replaces threonine 60 with arginine.
Molecular consequence: missense variant. On other transcripts: 5 prime UTR variant (1).
Genome position (GRCh38, 1-based): chr19:33,302,236, G>C on the plus strand (C>G on the coding strand, the complement: CEBPA is on the minus strand). VCF-style: chr19-33302236-G-C. GRCh37 (hg19) VCF-style: chr19-33793142-G-C.
Other names: c.-179C>G (NM_001285829.2); c.284C>G, p.Thr95Arg (NM_001287424.2); c.137C>G, p.Thr46Arg (NM_001287435.2); short protein forms T46R, T60R, T95R.
Identifiers: ClinVar variation 4843299 (VCV004843299.1).